The following is an entry in ClinVar:

NM_000017.4(ACADS):c.812G>T (p.Gly271Val)

Gene: ACADS (acyl-CoA dehydrogenase short chain; plus strand). Cytogenetic location: 12q24.31.
Variant type: single nucleotide variant.
Coding change: c.812G>T on transcript NM_000017.4 (MANE Select); coding-DNA position 812, G replaced by T.
Protein change: p.Gly271Val; replaces glycine 271 with valine.
Molecular consequence: missense variant.
Genome position (GRCh38, 1-based): chr12:120,738,549, G>T. VCF-style: chr12-120738549-G-T. GRCh37 (hg19) VCF-style: chr12-121176352-G-T.
Other names: p.G271V:GGC>GTC; c.800G>T, p.Gly267Val (NM_001302554.2); short protein forms G271V, G267V.
Identifiers: ClinVar variation 203555 (VCV000203555.6), dbSNP rs796051902, ClinGen allele CA312218.

ClinVar aggregate classification (germline): Conflicting classifications of pathogenicity. Review status: criteria provided, conflicting classifications (1 of 4 stars). 2 submissions from 2 submitters: Likely pathogenic (1); Uncertain significance (1). Last evaluated 2022-10-25.

Conditions:
Deficiency of butyryl-CoA dehydrogenase (ACADSD). Also called: ACADS DEFICIENCY; SCAD DEFICIENCY, MILD; ACYL-CoA DEHYDROGENASE, SHORT-CHAIN, DEFICIENCY OF; SCADH DEFICIENCY; Short-Chain Acyl-CoA Dehydrogenase Deficiency; SCAD Deficiency. Identifiers: Orphanet 26792, MedGen C0342783, MONDO:0008722, OMIM 201470. Disease mechanism: May be benign.

Allele frequency attached by ClinVar (database versions not stated): gnomAD exomes 0.00001; TOPMed 0.00001.
gnomAD v4.1: 8 of 1,610,364 alleles (0.0005%); highest among the groups gnomAD compares: Non-Finnish European, 0.00068%; no homozygotes.

Submissions (2):

Labcorp Genetics (formerly Invitae), Labcorp
Classification: Uncertain significance for Deficiency of butyryl-CoA dehydrogenase. Last evaluated: 2022-10-25. Review status: criteria provided, single submitter. Criteria: Invitae Variant Classification Sherloc (09022015). Collection method: clinical testing. Allele origin: germline.
Comment: In summary, the available evidence is currently insufficient to determine the role of this variant in disease. Therefore, it has been classified as a Variant of Uncertain Significance. Advanced modeling of protein sequence and biophysical properties (such as structural, functional, and spatial information, amino acid conservation, physicochemical variation, residue mobility, and thermodynamic stability) performed at Invitae indicates that this missense variant is expected to disrupt ACADS protein function. ClinVar contains an entry for this variant (Variation ID: 203555). This variant has not been reported in the literature in individuals affected with ACADS-related conditions. This variant is present in population databases (rs796051902, gnomAD 0.003%). This sequence change replaces glycine, which is neutral and non-polar, with valine, which is neutral and non-polar, at codon 271 of the ACADS protein (p.Gly271Val).

GeneDx
Classification: Likely pathogenic. Last evaluated: 2014-07-10. Review status: criteria provided, single submitter. Criteria: GeneDx Variant Classification (06012015). Collection method: clinical testing. Allele origin: germline. Affected: yes.
Comment: p.Gly271Val (GGC>GTC): c.812 G>T in exon 7 of the ACADS gene (NM_000017.2). The G271V variant that is likely pathogenic was identified in the ACADS gene. It has not been published as a mutation, nor has it been reported as a benign polymorphism to our knowledge. The G271V variant is a conservative amino acid substitution, which is not likely to impact secondary protein structure as these residues share similar properties. This substitution occurs at a position that is highly conserved across species. In silico analysis predicts this variant is probably damaging to the protein structure/function. Missense mutations in nearby residues (R272H, G274S, A276T, S277F) have been reported in association with short-chain acyl-CoA dehydrogenase (SCAD) deficiency, supporting the functional importance of this region of the protein. Therefore, this variant is a strong candidate for a pathogenic mutation, however the possibility that it is a benign variant cannot be excluded. The variant is found in UCD-MET panel(s).